The following is an entry in ClinVar:

NM_017827.4(SARS2):c.1519C>G (p.Arg507Gly)

Gene: SARS2 (seryl-tRNA synthetase 2, mitochondrial; minus strand). Cytogenetic location: 19q13.2.
Variant type: single nucleotide variant.
Coding change: c.1519C>G on transcript NM_017827.4 (MANE Select); coding-DNA position 1519, C replaced by G.
Protein change: p.Arg507Gly; replaces arginine 507 with glycine.
Molecular consequence: missense variant.
Genome position (GRCh38, 1-based): chr19:38,915,644, G>C on the plus strand (C>G on the coding strand, the complement: SARS2 is on the minus strand). VCF-style: chr19-38915644-G-C. GRCh37 (hg19) VCF-style: chr19-39406284-G-C.
Other names: c.1525C>G, p.Arg509Gly (NM_001145901.2); short protein forms R507G, R509G.
Identifiers: ClinVar variation 2313851 (VCV002313851.4), dbSNP rs143316017, ClinGen allele CA9422673.

ClinVar aggregate classification (germline): Uncertain significance. Review status: criteria provided, multiple submitters, no conflicts (2 of 4 stars). 3 submissions from 3 submitters: Uncertain significance (3). Last evaluated 2026-04-23.

gnomAD v4.1: 14 of 1,610,686 alleles (0.00087%); highest among the groups gnomAD compares: Non-Finnish European, 0.0011%; no homozygotes.

Submissions (3):

GeneDx
Classification: Uncertain significance. Last evaluated: 2026-04-23. Review status: criteria provided, single submitter. Criteria: GeneDx Variant Classification Process June 2021. Collection method: clinical testing. Allele origin: germline.
Comment: Not observed at significant frequency in large population cohorts (gnomAD); In silico analysis suggests that this missense variant does not alter protein structure/function; Has not been previously published as pathogenic or benign to our knowledge

Labcorp Genetics (formerly Invitae), Labcorp
Classification: Uncertain significance. Last evaluated: 2025-07-06. Review status: criteria provided, single submitter. Criteria: Invitae Variant Classification Sherloc (09022015). Collection method: clinical testing. Allele origin: germline.
Comment: This sequence change replaces arginine, which is basic and polar, with glycine, which is neutral and non-polar, at codon 507 of the SARS2 protein (p.Arg507Gly). This variant is present in population databases (rs143316017, gnomAD 0.003%). This variant has not been reported in the literature in individuals affected with SARS2-related conditions. ClinVar contains an entry for this variant (Variation ID: 2313851). An algorithm developed to predict the effect of missense changes on protein structure and function (PolyPhen-2) suggests that this variant is likely to be tolerated. In summary, the available evidence is currently insufficient to determine the role of this variant in disease. Therefore, it has been classified as a Variant of Uncertain Significance.

Ambry Genetics
Classification: Uncertain significance. Last evaluated: 2022-09-27. Review status: criteria provided, single submitter. Criteria: Ambry Variant Classification Scheme 2023. Collection method: clinical testing. Allele origin: germline.